The following is an entry in ClinVar:

ClinVar aggregate classification (germline): Uncertain significance (1 of 4 stars; one submission).

Allele frequency attached by ClinVar (database versions not stated): ExAC 0.00001; TOPMed 0.00011; ESP Exome Variant Server 0.00016.
gnomAD v4.1: 8 of 1,613,874 alleles (0.0005%); highest among the groups gnomAD compares: African/African-American, 0.0093%; no homozygotes.

Submission:

Labcorp Genetics (formerly Invitae), Labcorp
Classification: Uncertain significance. Last evaluated: 2022-11-15. Review status: criteria provided, single submitter. Criteria: Invitae Variant Classification Sherloc (09022015). Collection method: clinical testing. Allele origin: germline.
Comment: This variant has not been reported in the literature in individuals affected with CNGB1-related conditions. This variant is present in population databases (rs202034315, gnomAD 0.01%). This sequence change replaces serine, which is neutral and polar, with arginine, which is basic and polar, at codon 561 of the CNGB1 protein (p.Ser561Arg). Advanced modeling of protein sequence and biophysical properties (such as structural, functional, and spatial information, amino acid conservation, physicochemical variation, residue mobility, and thermodynamic stability) performed at Invitae indicates that this missense variant is not expected to disrupt CNGB1 protein function. ClinVar contains an entry for this variant (Variation ID: 846284). In summary, the available evidence is currently insufficient to determine the role of this variant in disease. Therefore, it has been classified as a Variant of Uncertain Significance.

NM_001297.5(CNGB1):c.1683C>A (p.Ser561Arg)

Gene: CNGB1 (cyclic nucleotide gated channel subunit beta 1; minus strand). Cytogenetic location: 16q21.
Variant type: single nucleotide variant.
Coding change: c.1683C>A on transcript NM_001297.5 (MANE Select); coding-DNA position 1683, C replaced by A.
Protein change: p.Ser561Arg; replaces serine 561 with arginine.
Molecular consequence: missense variant.
Genome position (GRCh38, 1-based): chr16:57,920,505, G>T on the plus strand (C>A on the coding strand, the complement: CNGB1 is on the minus strand). VCF-style: chr16-57920505-G-T. GRCh37 (hg19) VCF-style: chr16-57954409-G-T.
Other names: c.1665C>A, p.Ser555Arg (NM_001286130.2); short protein forms S555R, S561R.
Identifiers: ClinVar variation 846284 (VCV000846284.10), dbSNP rs202034315, ClinGen allele CA8083324.